The following is an entry in ClinVar:

NM_001004356.3(FGFRL1):c.962A>G (p.Asn321Ser)

Gene: FGFRL1 (fibroblast growth factor receptor like 1; plus strand). Cytogenetic location: 4p16.3.
Variant type: single nucleotide variant.
Coding change: c.962A>G on transcript NM_001004356.3 (MANE Select); coding-DNA position 962, A replaced by G.
Protein change: p.Asn321Ser; replaces asparagine 321 with serine.
Molecular consequence: missense variant.
Genome position (GRCh38, 1-based): chr4:1,024,554, A>G. VCF-style: chr4-1024554-A-G. GRCh37 (hg19) VCF-style: chr4-1018342-A-G.
Other names: c.962A>G, p.Asn321Ser (NM_001004358.1, NM_001370296.1, NM_021923.3); short protein forms N321S.
Identifiers: ClinVar variation 1942369 (VCV001942369.5), dbSNP rs2534152862, ClinGen allele CA355933188.
Genomic context (GRCh38, chr4:1,024,554, plus strand): 5'-AGAAGTTTGTGGTGCTGCCCACGGGTGACGTGTGGTCGCGGCCCGACGGCTCCTACCTCA[A>G]TAAGCTGCTCATCACCCGTGCCCGCCAGGACGATGCGGGCATGTACATCTGCCTTGGCGC-3'
Protein context (NP_001004356.1, residues 311-331): VWSRPDGSYL[Asn321Ser]KLLITRARQD

ClinVar aggregate classification (germline): Uncertain significance (1 of 4 stars; one submission).

Allele frequency attached by ClinVar (database versions not stated): gnomAD exomes below 0.00001.

Submission:

Labcorp Genetics (formerly Invitae), Labcorp
Classification: Uncertain significance. Last evaluated: 2023-08-10. Review status: criteria provided, single submitter. Criteria: Invitae Variant Classification Sherloc (09022015). Collection method: clinical testing. Allele origin: germline.
Comment: In summary, the available evidence is currently insufficient to determine the role of this variant in disease. Therefore, it has been classified as a Variant of Uncertain Significance. An algorithm developed to predict the effect of missense changes on protein structure and function (PolyPhen-2) suggests that this variant is likely to be disruptive. ClinVar contains an entry for this variant (Variation ID: 1942369). This variant has not been reported in the literature in individuals affected with FGFRL1-related conditions. This variant is not present in population databases (gnomAD no frequency). This sequence change replaces asparagine, which is neutral and polar, with serine, which is neutral and polar, at codon 321 of the FGFRL1 protein (p.Asn321Ser).